The following is an entry in ClinVar:

NM_000829.4(GRIA4):c.1180G>T (p.Asp394Tyr)

Gene: GRIA4 (glutamate ionotropic receptor AMPA type subunit 4; plus strand). Cytogenetic location: 11q22.3.
Variant type: single nucleotide variant.
Coding change: c.1180G>T on transcript NM_000829.4 (MANE Select); coding-DNA position 1180, G replaced by T.
Protein change: p.Asp394Tyr; replaces aspartic acid 394 with tyrosine.
Molecular consequence: missense variant. On other transcripts: non-coding transcript variant (1), intron variant (1).
Genome position (GRCh38, 1-based): chr11:105,910,456, G>T. VCF-style: chr11-105910456-G-T. GRCh37 (hg19) VCF-style: chr11-105781182-G-T.
Other names: c.1180G>T, p.Asp394Tyr (NM_001077243.3, NM_001077244.2, NM_001112812.2 and 19 more transcripts); c.1158+5155G>T (NM_001440399.1); short protein forms D394Y.
Identifiers: ClinVar variation 4535313 (VCV004535313.6).
Genomic context (GRCh38, chr11:105,910,456, plus strand): 5'-TTCTAAAATATGTTTTCAAGCATGTTCTCTATTTGGCAGGTTGGTTACTGGAATGATATG[G>T]ATAAGTTAGTCTTGATTCAAGATGTACCAACTCTTGGCAATGACACAGCTGCTATTGAGA-3'
Protein context (NP_000820.4, residues 384-404): PRKVGYWNDM[Asp394Tyr]KLVLIQDVPT

ClinVar aggregate classification (germline): Uncertain significance (1 of 4 stars; one submission).

Submission:

CeGaT Center for Human Genetics Tuebingen
Classification: Uncertain significance. Last evaluated: 2025-11-01. Review status: criteria provided, single submitter. Criteria: CeGaT Center For Human Genetics Tuebingen Variant Classification Criteria Version 2. Collection method: clinical testing. Allele origin: germline. Affected: yes. Observed: 1 variant allele.
Comment: GRIA4: PM2, PP2